The following is an entry in ClinVar:

NM_016729.3(FOLR1):c.636G>A (p.Met212Ile)

Genes: FOLR1-AS1 (FOLR1 antisense RNA 1; minus strand), FOLR1 (folate receptor alpha; plus strand). Cytogenetic location: 11q13.4.
Variant type: single nucleotide variant.
Coding change: c.636G>A on transcript NM_016729.3 (MANE Select); coding-DNA position 636, G replaced by A.
Protein change: p.Met212Ile; replaces methionine 212 with isoleucine.
Molecular consequence: missense variant.
Genome position (GRCh38, 1-based): chr11:72,196,039, G>A. VCF-style: chr11-72196039-G-A. GRCh37 (hg19) VCF-style: chr11-71907083-G-A.
Other names: c.636G>A, p.Met212Ile (NM_000802.3, NM_016724.3, NM_016725.3); short protein forms M212I.
Identifiers: ClinVar variation 1001964 (VCV001001964.9), dbSNP rs1948228556, ClinGen allele CA381734698.

ClinVar aggregate classification (germline): Uncertain significance (1 of 4 stars; one submission).

Conditions:
Cerebral folate transport deficiency. Also called: NEURODEGENERATION DUE TO CEREBRAL FOLATE TRANSPORT DEFICIENCY; Neurodegenerative syndrome due to cerebral folate transport deficiency; FOLATE RECEPTOR DEFICIENCY; FOLR1-Related Cerebral Folate Transport Deficiency; Cerebral folate deficiency syndrome. Identifiers: Orphanet 217382, MedGen C2751584, MONDO:0013110, OMIM 613068. Disease mechanism: loss of function.

Submission:

Labcorp Genetics (formerly Invitae), Labcorp
Classification: Uncertain significance for Cerebral folate transport deficiency. Last evaluated: 2022-05-10. Review status: criteria provided, single submitter. Criteria: Invitae Variant Classification Sherloc (09022015). Collection method: clinical testing. Allele origin: germline.
Comment: In summary, the available evidence is currently insufficient to determine the role of this variant in disease. Therefore, it has been classified as a Variant of Uncertain Significance. Algorithms developed to predict the effect of missense changes on protein structure and function are either unavailable or do not agree on the potential impact of this missense change (SIFT: "Deleterious"; PolyPhen-2: "Benign"; Align-GVGD: "Class C0"). ClinVar contains an entry for this variant (Variation ID: 1001964). This variant has not been reported in the literature in individuals affected with FOLR1-related conditions. This variant is not present in population databases (gnomAD no frequency). This sequence change replaces methionine, which is neutral and non-polar, with isoleucine, which is neutral and non-polar, at codon 212 of the FOLR1 protein (p.Met212Ile).